The following is an entry in ClinVar:

ClinVar aggregate classification (germline): Conflicting classifications of pathogenicity. Review status: criteria provided, conflicting classifications (1 of 4 stars). 2 submissions from 2 submitters: Uncertain significance (1); Benign (1). Last evaluated 2025-11-17.

Conditions:
Tuberous sclerosis 2 (TSC2). Identifiers: Orphanet 805, MedGen C1860707, MONDO:0013199, OMIM 613254.
Hereditary cancer-predisposing syndrome. Also called: Hereditary Cancer Syndrome; Tumor predisposition; Neoplastic Syndromes, Hereditary; Hereditary neoplastic syndrome. Identifiers: Orphanet 140162, MedGen C0027672, MeSH D009386, MONDO:0015356.

Allele frequency attached by ClinVar (database versions not stated): gnomAD exomes below 0.00001; gnomAD 0.00001; TOPMed 0.00001; ExAC 0.00003.
gnomAD v4.1: 2 of 1,602,762 alleles (0.00012%); highest among the groups gnomAD compares: Non-Finnish European, 0.00017%; no homozygotes.

Submissions (2):

Labcorp Genetics (formerly Invitae), Labcorp
Classification: Benign for Tuberous sclerosis 2. Last evaluated: 2025-11-17. Review status: criteria provided, single submitter. Criteria: Invitae Variant Classification Sherloc (09022015). Collection method: clinical testing. Allele origin: germline.

Ambry Genetics
Classification: Uncertain significance for Hereditary cancer-predisposing syndrome. Last evaluated: 2024-03-20. Review status: criteria provided, single submitter. Criteria: Ambry Variant Classification Scheme 2023. Collection method: clinical testing. Allele origin: germline.
Comment: The p.T659S variant (also known as c.1976C>G), located in coding exon 18 of the TSC2 gene, results from a C to G substitution at nucleotide position 1976. The threonine at codon 659 is replaced by serine, an amino acid with similar properties. This amino acid position is conserved. In addition, the in silico prediction for this alteration is inconclusive. Since supporting evidence is limited at this time, the clinical significance of this alteration remains unclear.

NM_000548.5(TSC2):c.1976C>G (p.Thr659Ser)

Gene: TSC2 (TSC complex subunit 2; plus strand). Cytogenetic location: 16p13.3.
Variant type: single nucleotide variant.
Coding change: c.1976C>G on transcript NM_000548.5 (MANE Select); coding-DNA position 1976, C replaced by G.
Protein change: p.Thr659Ser; replaces threonine 659 with serine.
Molecular consequence: missense variant.
Genome position (GRCh38, 1-based): chr16:2,071,813, C>G. VCF-style: chr16-2071813-C-G. GRCh37 (hg19) VCF-style: chr16-2121814-C-G.
Other names: c.1976C>G, p.Thr659Ser (NM_001077183.3, NM_001114382.3, NM_001363528.2 and 3 more transcripts); c.1865C>G, p.Thr622Ser (NM_001318827.2); c.1829C>G, p.Thr610Ser (NM_001318829.2); c.1376C>G, p.Thr459Ser (NM_001318831.2); c.2009C>G, p.Thr670Ser (NM_001318832.2); short protein forms T659S, T459S, T670S, T610S, T622S.
Identifiers: ClinVar variation 649349 (VCV000649349.12), dbSNP rs755847664, ClinGen allele CA035359.
Genomic context (GRCh38, chr16:2,071,813, plus strand): 5'-TTGGCCTCAGCTGCTTCTCTTGCTTCTGCAGGGAGCCAGAGAGAGGCTCTGAGAAGAAGA[C>G]CAGCGGCCCCCTTTCTCCTCCCACAGGGCCTCCTGGCCCGGCGCCTGCAGGCCCCGCCGT-3'
Protein context (NP_000539.2, residues 649-669): MEPERGSEKK[Thr659Ser]SGPLSPPTGP